The following is an entry in ClinVar:

ClinVar aggregate classification (germline): Uncertain significance (1 of 4 stars; one submission).

Allele frequency attached by ClinVar (database versions not stated): gnomAD 0.00001; TOPMed 0.00001.
gnomAD v4.1: 42 of 1,611,518 alleles (0.0026%); highest among the groups gnomAD compares: Non-Finnish European, 0.0032%; no homozygotes.

Submission:

Labcorp Genetics (formerly Invitae), Labcorp
Classification: Uncertain significance. Last evaluated: 2022-11-01. Review status: criteria provided, single submitter. Criteria: Invitae Variant Classification Sherloc (09022015). Collection method: clinical testing. Allele origin: germline.
Comment: In summary, the available evidence is currently insufficient to determine the role of this variant in disease. Therefore, it has been classified as a Variant of Uncertain Significance. This sequence change replaces arginine, which is basic and polar, with histidine, which is basic and polar, at codon 159 of the NARS2 protein (p.Arg159His). Advanced modeling of protein sequence and biophysical properties (such as structural, functional, and spatial information, amino acid conservation, physicochemical variation, residue mobility, and thermodynamic stability) performed at Invitae indicates that this missense variant is expected to disrupt NARS2 protein function. This variant has not been reported in the literature in individuals affected with NARS2-related conditions. This variant is present in population databases (rs757944504, gnomAD 0.006%).

NM_024678.6(NARS2):c.476G>A (p.Arg159His)

Gene: NARS2 (asparaginyl-tRNA synthetase 2, mitochondrial; minus strand). Cytogenetic location: 11q14.1.
Variant type: single nucleotide variant.
Coding change: c.476G>A on transcript NM_024678.6 (MANE Select); coding-DNA position 476, G replaced by A.
Protein change: p.Arg159His; replaces arginine 159 with histidine.
Molecular consequence: missense variant. On other transcripts: 5 prime UTR variant (1).
Genome position (GRCh38, 1-based): chr11:78,566,169, C>T on the plus strand (G>A on the coding strand, the complement: NARS2 is on the minus strand). VCF-style: chr11-78566169-C-T. GRCh37 (hg19) VCF-style: chr11-78277215-C-T.
Other names: c.-206G>A (NM_001243251.2); short protein forms R159H.
Identifiers: ClinVar variation 1900599 (VCV001900599.5), dbSNP rs757944504, ClinGen allele CA6205836.
Genomic context (GRCh38, chr11:78,566,169, plus strand): 5'-AGAGGGAACTTTTAGGATCTTACCTTAAAGAAAGAATGAATAGCAGCTGTCGCTTCACTG[C>T]GAATCCTCAATATAGAACCCAGAACGTTAGTCCTACACCTAAAGTGAGGATATTGTCGCA-3'
Protein context (NP_078954.4, residues 149-169): TNVLGSILRI[Arg159His]SEATAAIHSF